The following is an entry in ClinVar:

NM_001270.4(CHD1):c.1800G>A (p.Lys600=)

Gene: CHD1 (chromodomain helicase DNA binding protein 1; minus strand). Cytogenetic location: 5q15.
Variant type: single nucleotide variant.
Coding change: c.1800G>A on transcript NM_001270.4 (MANE Select); coding-DNA position 1800, G replaced by A.
Protein change: p.Lys600=; no amino-acid change (lysine 600 retained).
Molecular consequence: synonymous variant. On other transcripts: non-coding transcript variant (2).
Genome position (GRCh38, 1-based): chr5:98,894,597, C>T on the plus strand (G>A on the coding strand, the complement: CHD1 is on the minus strand). VCF-style: chr5-98894597-C-T. GRCh37 (hg19) VCF-style: chr5-98230301-C-T.
Other names: NC_000005.9:g.98230301C>T; c.1800G>A, p.Lys600= (NM_001364113.3, NM_001376194.2).
Identifiers: ClinVar variation 3769608 (VCV003769608.2).

ClinVar aggregate classification (germline): Uncertain significance (1 of 4 stars; one submission).

Conditions:
Hypotonia. Also called: Muscular hypotonia; poor muscle tone. Identifiers: MedGen C0026827, HP:0001252.

Submissions (2):

Clinical Genetics Laboratory, Skane University Hospital Lund
Classification: Uncertain significance for Hypotonia. Last evaluated: 2024-10-21. Review status: criteria provided, single submitter. Criteria: ACMG Guidelines, 2015. Collection method: clinical testing. Allele origin: de novo. Affected: yes.
Comment: De novo synonymous variant. ACMG criteria used: PM1, PM2, PP3 (SpliceAI score: 0.77 (donor loss predicted)

Dr. Peter K. Rogan Lab, Western University
No classification provided (evidence only). Condition: Uterine corpus endometrial carcinoma. Review status: no classification provided. Collection method: in vitro. Allele origin: not applicable. Functional consequence: skipped exon. Not counted in ClinVar's aggregate classification.